The following is an entry in ClinVar:

NM_004333.6(BRAF):c.980+225G>A

Gene: BRAF (B-Raf proto-oncogene, serine/threonine kinase; minus strand). Cytogenetic location: 7q34.
Variant type: single nucleotide variant.
Coding change: c.980+225G>A on transcript NM_004333.6 (MANE Select); 225 bases into the intron after coding-DNA position 980, G replaced by A.
Molecular consequence: intron variant.
Genome position (GRCh38, 1-based): chr7:140,800,137, C>T on the plus strand (G>A on the coding strand, the complement: BRAF is on the minus strand). VCF-style: chr7-140800137-C-T. GRCh37 (hg19) VCF-style: chr7-140499937-C-T.
Other names: c.980+225G>A (NM_001378474.1, NM_001378471.1, NM_001378468.1 and 4 more transcripts); c.878+225G>A (NM_001378470.1); c.716+225G>A (NM_001378475.1); c.989+225G>A (NM_001378467.1); c.824+225G>A (NM_001378472.1, NM_001378473.1).
Identifiers: ClinVar variation 4873625 (VCV004873625.2).
Genomic context (GRCh38, chr7:140,800,137, plus strand): 5'-GAGATCCAAAAGAAAGCAGTTCAAGAAGCATGTCACTGAAGAGCAGAAGTCAAATCATAC[C>T]CAATATTGATTTTTTCAGGACTGATTCTGAAATAGTCTATGTCAGCTTTAATCCCATTTA-3'

ClinVar aggregate classification (germline): Likely benign (1 of 4 stars; one submission).

gnomAD v4.1: 111 of 627,394 alleles (0.018%); highest among the groups gnomAD compares: African/African-American, 0.19%; no homozygotes.

Submission:

CeGaT Center for Human Genetics Tuebingen
Classification: Likely benign. Last evaluated: 2026-06-01. Review status: criteria provided, single submitter. Criteria: CeGaT Center For Human Genetics Tuebingen Variant Classification Criteria Version 2. Collection method: clinical testing. Allele origin: germline. Affected: yes. Observed: 1 variant allele.
Comment: BRAF: BS1